The following is an entry in ClinVar:

NM_006721.4(ADK):c.313G>A (p.Gly105Arg)

Gene: ADK (adenosine kinase; plus strand). Cytogenetic location: 10q22.2.
Variant type: single nucleotide variant.
Coding change: c.313G>A on transcript NM_006721.4 (MANE Select); coding-DNA position 313, G replaced by A.
Protein change: p.Gly105Arg; replaces glycine 105 with arginine.
Molecular consequence: missense variant.
Genome position (GRCh38, 1-based): chr10:74,394,180, G>A. VCF-style: chr10-74394180-G-A. GRCh37 (hg19) VCF-style: chr10-76153938-G-A.
Other names: c.262G>A, p.Gly88Arg (NM_001123.4, NM_001369124.1); c.208G>A, p.Gly70Arg (NM_001202449.2); c.313G>A, p.Gly105Arg (NM_001202450.2, NM_001369123.1); short protein forms G105R, G70R, G88R.
Identifiers: ClinVar variation 4814116 (VCV004814116.1).

ClinVar aggregate classification (germline): Uncertain significance (1 of 4 stars; one submission).

Conditions:
Adenosine kinase deficiency. Also called: MENTAL RETARDATION, AUTOSOMAL RECESSIVE 8; Hypermethioninemia due to adenosine kinase deficiency. Identifiers: Orphanet 289290, Orphanet 88616, MedGen C4706555, MONDO:0100255, OMIM 614300.

Submission:

OLLIN Analises Genomicas, OLLIN
Classification: Uncertain significance for Adenosine kinase deficiency. Last evaluated: 2025-08-11. Review status: criteria provided, single submitter. Criteria: ACMG Guidelines 2015 PMID 25741868. Collection method: clinical testing. Allele origin: germline. Affected: yes. Observed: 1 variant allele.
Comment: The missense variant (chr10:74394180G>A), located in exon 5 (of 11), is not reported in the gnomAD v4.1 non-UKB or ClinVar databases, nor was it found in the scientific literature. In silico analysis predicts that this variant has a deleterious effect. According to the currently available evidence, this variant has been classified as of uncertain significance (VUS) (PM2_P, PP3_S).